The following is an entry in ClinVar:

ClinVar aggregate classification (germline): Conflicting classifications of pathogenicity. Review status: criteria provided, conflicting classifications (1 of 4 stars). 7 submissions from 7 submitters: Uncertain significance (1); Benign (1); Likely benign (4). 1 of the submissions does not count toward it. Last evaluated 2026-09-01.

Conditions:
Myopathy, centronuclear, 5 (CNM5). Identifiers: Orphanet 169186, MedGen C4014814, MONDO:0014418, OMIM 615959.
SPEG-related disorder. Also called: SPEG-related condition.

Allele frequency attached by ClinVar (database versions not stated): 1000 Genomes Project 0.00280; gnomAD exomes 0.00308; ExAC 0.00324; 1000 Genomes Project 30x 0.00359; gnomAD 0.00519 and 0.00575; TOPMed 0.00578; ESP Exome Variant Server 0.00615.
gnomAD v4.1: 6,634 of 1,613,486 alleles (0.41%); highest among the groups gnomAD compares: African/African-American, 0.89%; 17 homozygotes.

Submissions (7):

CeGaT Center for Human Genetics Tuebingen
Classification: Likely benign. Last evaluated: 2026-09-01. Review status: criteria provided, single submitter. Criteria: CeGaT Center For Human Genetics Tuebingen Variant Classification Criteria Version 2. Collection method: clinical testing. Allele origin: germline. Affected: yes. Observed: 14 variant alleles.
Comment: SPEG: BP4, BS2

Labcorp Genetics (formerly Invitae), Labcorp
Classification: Likely benign. Last evaluated: 2026-01-12. Review status: criteria provided, single submitter. Criteria: Invitae Variant Classification Sherloc (09022015). Collection method: clinical testing. Allele origin: germline.

Blueprint Genetics
Classification: Likely benign. Last evaluated: 2024-11-25. Review status: criteria provided, single submitter. Criteria: ACMG Guidelines, 2015. Collection method: clinical testing. Allele origin: germline.

Mayo Clinic Laboratories, Mayo Clinic
Classification: Benign. Last evaluated: 2020-03-25. Review status: criteria provided, single submitter. Criteria: ACMG Guidelines, 2015. Collection method: clinical testing. Allele origin: germline. Observed: 5 variant alleles.

Fulgent Genetics
Classification: Uncertain significance for Myopathy, centronuclear, 5. Last evaluated: 2018-10-31. Review status: criteria provided, single submitter. Criteria: ACMG Guidelines, 2015. Collection method: clinical testing. Allele origin: unknown.

Genetic Services Laboratory, University of Chicago
Classification: Likely benign. Last evaluated: 2017-12-04. Review status: criteria provided, single submitter. Criteria: ACMG Guidelines, 2015. Collection method: clinical testing. Allele origin: germline. Affected: no.

PreventionGenetics, part of Exact Sciences
Classification: Benign for SPEG-related condition. Last evaluated: 2019-05-31. Review status: no assertion criteria provided. Collection method: clinical testing. Allele origin: germline. Not counted in ClinVar's aggregate classification.
Comment: This variant is classified as benign based on ACMG/AMP sequence variant interpretation guidelines (Richards et al. 2015 PMID: 25741868, with internal and published modifications).

NM_005876.5(SPEG):c.7810C>T (p.Leu2604Phe)

Genes: ASIC4-AS1 (ASIC4 antisense RNA 1; minus strand), SPEG (striated muscle enriched protein kinase; plus strand). Cytogenetic location: 2q35.
Variant type: single nucleotide variant.
Coding change: c.7810C>T on transcript NM_005876.5 (MANE Select); coding-DNA position 7810, C replaced by T.
Protein change: p.Leu2604Phe; replaces leucine 2604 with phenylalanine.
Molecular consequence: missense variant.
Genome position (GRCh38, 1-based): chr2:219,488,262, C>T. VCF-style: chr2-219488262-C-T. GRCh37 (hg19) VCF-style: chr2-220352984-C-T.
Other names: p.Leu2604Phe; short protein forms L2604F.
Identifiers: ClinVar variation 374595 (VCV000374595.59), dbSNP rs77314619, ClinGen allele CA2127296.